The following is an entry in ClinVar:

ClinVar aggregate classification (germline): Uncertain significance (1 of 4 stars; one submission).

Conditions:
Autosomal dominant polycystic kidney disease. Identifiers: Orphanet 730, MedGen C0085413, MONDO:0004691.

Submission:

Labcorp Genetics (formerly Invitae), Labcorp
Classification: Uncertain significance for Autosomal dominant polycystic kidney disease. Last evaluated: 2025-10-15. Review status: criteria provided, single submitter. Criteria: Invitae Variant Classification Sherloc (09022015). Collection method: clinical testing. Allele origin: germline.
Comment: This sequence change replaces aspartic acid, which is acidic and polar, with asparagine, which is neutral and polar, at codon 811 of the PKD2 protein (p.Asp811Asn). This variant is not present in population databases (gnomAD no frequency). This variant has not been reported in the literature in individuals affected with PKD2-related conditions. An algorithm developed to predict the effect of missense changes on protein structure and function (PolyPhen-2) suggests that this variant is likely to be disruptive. In summary, the available evidence is currently insufficient to determine the role of this variant in disease. Therefore, it has been classified as a Variant of Uncertain Significance.

NM_000297.4(PKD2):c.2431G>A (p.Asp811Asn)

Gene: PKD2 (polycystin 2, transient receptor potential cation channel; plus strand). Cytogenetic location: 4q22.1.
Variant type: single nucleotide variant.
Coding change: c.2431G>A on transcript NM_000297.4 (MANE Select); coding-DNA position 2431, G replaced by A.
Protein change: p.Asp811Asn; replaces aspartic acid 811 with asparagine.
Molecular consequence: missense variant. On other transcripts: non-coding transcript variant (1).
Genome position (GRCh38, 1-based): chr4:88,067,970, G>A. VCF-style: chr4-88067970-G-A. GRCh37 (hg19) VCF-style: chr4-88989122-G-A.
Other names: c.2206G>A, p.Asp736Asn (NM_001440544.1); short protein forms D736N, D811N.
Identifiers: ClinVar variation 4729268 (VCV004729268.1).